The following is an entry in ClinVar:

NM_001267550.2(TTN):c.75665dup (p.Cys25222fs)

Genes: TTN (titin; minus strand), TTN-AS1 (TTN antisense RNA 1; plus strand). Cytogenetic location: 2q31.2.
Variant type: Duplication.
Coding change: c.75665dup on transcript NM_001267550.2 (MANE Select); coding-DNA position 75665, one base duplicated (G; older notation c.75665dupG).
Protein change: p.Cys25222fs; shifts the reading frame from cysteine 25222.
Molecular consequence: frameshift variant.
Genome position (GRCh38, 1-based): chr2:178,570,467, C duplicated on the plus strand (G on the coding strand, the reverse complement: TTN is on the minus strand). VCF-style (leftmost placement, unchanged base first): chr2-178570466-G-GC. GRCh37 (hg19) VCF-style: chr2-179435193-G-GC.
Other names: c.70742dup, p.Cys23581fs (NM_001256850.1); c.48470dup, p.Cys16157fs (NM_003319.4); c.67961dup, p.Cys22654fs (NM_133378.4); c.48845dup, p.Cys16282fs (NM_133432.3); c.49046dup, p.Cys16349fs (NM_133437.4); c.70742dupG (NM_001256850.1); short protein forms C23581fs, C16282fs, C16349fs, C25222fs, C16157fs, C22654fs.
Identifiers: ClinVar variation 503958 (VCV000503958.1), dbSNP rs1553602978, ClinGen allele CA658796029.

ClinVar aggregate classification (germline): Likely pathogenic (1 of 4 stars; one submission).

Submission:

GeneDx
Classification: Likely pathogenic. Last evaluated: 2017-12-20. Review status: criteria provided, single submitter. Criteria: GeneDx Variant Classification (06012015). Collection method: clinical testing. Allele origin: germline. Affected: yes.
Comment: The c.70742dupG likely pathogenic variant in the TTN gene has not been reported previously as a pathogenic variant or as a benign variant, to our knowledge. The c.70742dupG variant causes a shift in reading frame starting at codon cysteine 23581, changing it to a tryptophan, and creating a premature stop codon at position 15 of the new reading frame, denoted p.Cys23581TrpfsX15. This likely pathogenic variant is expected to result in either an abnormal, truncated protein product or loss of protein from this allele through nonsense-mediated mRNA decay. Although other truncating TTN variants have been reported in approximately 3% of control alleles, c.70742dupG is located in the A-band region of titin, where the majority of truncating pathogenic variants associated with DCM have been reported (Herman et al., 2012).